The following is an entry in ClinVar:

ClinVar aggregate classification (germline): Pathogenic (1 of 4 stars; one submission).

Conditions:
Hereditary cancer-predisposing syndrome. Also called: Hereditary Cancer Syndrome; Hereditary neoplastic syndrome; Tumor predisposition; Neoplastic Syndromes, Hereditary. Identifiers: Orphanet 140162, MedGen C0027672, MeSH D009386, MONDO:0015356.
Cardiovascular phenotype. Identifiers: MedGen CN230736.

Submission:

Ambry Genetics
Classification: Pathogenic for Cardiovascular phenotype; Hereditary cancer-predisposing syndrome. Last evaluated: 2024-10-31. Review status: criteria provided, single submitter. Criteria: Ambry Variant Classification Scheme 2023. Collection method: clinical testing. Allele origin: germline.
Comment: The c.1564dupG pathogenic mutation, located in coding exon 14 of the LZTR1 gene, results from a duplication of G at nucleotide position 1564, causing a translational frameshift with a predicted alternate stop codon (p.E522Gfs*147). This variant is considered to be rare based on population cohorts in the Genome Aggregation Database (gnomAD). This alteration is expected to result in loss of function by premature protein truncation or nonsense-mediated mRNA decay. Loss-of-function variants in LZTR1 are related to an increased risk for schwannomas and autosomal recessive Noonan syndrome; however, such associations with autosomal dominant Noonan syndrome have not been observed (Piotrowski A et al. Nat Genet. 2014 Feb;46:182-7; Yamamoto GL et al. J Med Genet. 2015 Jun;52:413-21; Johnston JJ et al. Genet Med. 2018 10;20:1175-1185). Based on the supporting evidence, this variant is pathogenic for an increased risk of LZTR1-related schwannomatosis (SWN) and would be expected to cause autosomal recessive Noonan syndrome when present along with a second pathogenic or likely pathogenic variant on the other allele; however, the association of this alteration with autosomal dominant Noonan syndrome is unlikely.

NM_006767.4(LZTR1):c.1564dup (p.Glu522fs)

Gene: LZTR1 (leucine zipper like post translational regulator 1; plus strand). Cytogenetic location: 22q11.21.
Variant type: Duplication.
Coding change: c.1564dup on transcript NM_006767.4 (MANE Select); coding-DNA position 1564, one base duplicated (G; older notation c.1564dupG).
Protein change: p.Glu522fs; shifts the reading frame from glutamic acid 522.
Molecular consequence: frameshift variant.
Genome position (GRCh38, 1-based): chr22:20,994,218, G duplicated. VCF-style (leftmost placement, unchanged base first): chr22-20994217-C-CG. GRCh37 (hg19) VCF-style: chr22-21348506-C-CG.
Other names: short protein forms E522fs.
Identifiers: ClinVar variation 3541669 (VCV003541669.1).